The following is an entry in ClinVar:

ClinVar aggregate classification (germline): Likely benign (1 of 4 stars; one submission).

gnomAD v4.1: 2 of 1,614,096 alleles (0.00012%); highest among the groups gnomAD compares: Non-Finnish European, 0.00017%; no homozygotes.

Submission:

CeGaT Center for Human Genetics Tuebingen
Classification: Likely benign. Last evaluated: 2025-07-01. Review status: criteria provided, single submitter. Criteria: CeGaT Center For Human Genetics Tuebingen Variant Classification Criteria Version 2. Collection method: clinical testing. Allele origin: germline. Affected: yes. Observed: 1 variant allele.
Comment: CARS1: BP4, BP7

NM_001014437.3(CARS1):c.1965A>C (p.Gly655=)

Gene: CARS1 (cysteinyl-tRNA synthetase 1; minus strand). Cytogenetic location: 11p15.4.
Variant type: single nucleotide variant.
Coding change: c.1965A>C on transcript NM_001014437.3 (MANE Select); coding-DNA position 1965, A replaced by C.
Protein change: p.Gly655=; no amino-acid change (glycine 655 retained).
Molecular consequence: synonymous variant. On other transcripts: non-coding transcript variant (4).
Genome position (GRCh38, 1-based): chr11:3,015,802, T>G on the plus strand (A>C on the coding strand, the complement: CARS1 is on the minus strand). VCF-style: chr11-3015802-T-G. GRCh37 (hg19) VCF-style: chr11-3037032-T-G.
Other names: c.1965A>C, p.Gly655= (NM_001194997.2); c.1755A>C, p.Gly585= (NM_001378136.1); c.1686A>C, p.Gly562= (NM_001378137.1, NM_001378138.1, NM_001378139.1 and 1 more transcripts); c.1440A>C, p.Gly480= (NM_001378140.1); c.1716A>C, p.Gly572= (NM_001751.6, NM_139273.4).
Identifiers: ClinVar variation 4084827 (VCV004084827.8).